The following is an entry in ClinVar:

ClinVar aggregate classification (germline): Uncertain significance (1 of 4 stars; one submission).

Conditions:
Hereditary cancer-predisposing syndrome. Also called: Tumor predisposition; Neoplastic Syndromes, Hereditary; Hereditary neoplastic syndrome; Hereditary Cancer Syndrome. Identifiers: Orphanet 140162, MedGen C0027672, MeSH D009386, MONDO:0015356.

Submission:

Ambry Genetics
Classification: Uncertain significance for Hereditary cancer-predisposing syndrome. Last evaluated: 2024-09-01. Review status: criteria provided, single submitter. Criteria: Ambry Variant Classification Scheme 2023. Collection method: clinical testing. Allele origin: germline.
Comment: The p.I364T variant (also known as c.1091T>C), located in coding exon 10 of the TSC2 gene, results from a T to C substitution at nucleotide position 1091. The isoleucine at codon 364 is replaced by threonine, an amino acid with similar properties. This amino acid position is conserved. In addition, this alteration is predicted to be deleterious by in silico analysis. Based on the available evidence, the clinical significance of this variant remains unclear.

NM_000548.5(TSC2):c.1091T>C (p.Ile364Thr)

Gene: TSC2 (TSC complex subunit 2; plus strand). Cytogenetic location: 16p13.3.
Variant type: single nucleotide variant.
Coding change: c.1091T>C on transcript NM_000548.5 (MANE Select); coding-DNA position 1091, T replaced by C.
Protein change: p.Ile364Thr; replaces isoleucine 364 with threonine.
Molecular consequence: missense variant. On other transcripts: 5 prime UTR variant (10), non-coding transcript variant (5).
Genome position (GRCh38, 1-based): chr16:2,060,785, T>C. VCF-style: chr16-2060785-T-C. GRCh37 (hg19) VCF-style: chr16-2110786-T-C.
Other names: c.1091T>C, p.Ile364Thr (NM_001077183.3, NM_001114382.3, NM_001363528.2 and 6 more transcripts); c.980T>C, p.Ile327Thr (NM_001318827.2, NM_001406670.1, NM_001406678.1); c.944T>C, p.Ile315Thr (NM_001318829.2, NM_001406675.1, NM_001406676.1 and 1 more transcripts); c.491T>C, p.Ile164Thr (NM_001318831.2, NM_001406680.1, NM_001406682.1 and 6 more transcripts); c.1124T>C, p.Ile375Thr (NM_001318832.2); c.1181T>C, p.Ile394Thr (NM_001406667.1, NM_001406668.1); c.1079T>C, p.Ile360Thr (NM_001406671.1, NM_001406673.1); c.1034T>C, p.Ile345Thr (NM_001406677.1); and 4 more; short protein forms I210T, I327T, I345T, I360T, I315T, I164T, I364T, I375T.
Identifiers: ClinVar variation 3462613 (VCV003462613.1).